The following is an entry in ClinVar:

NM_000455.5(STK11):c.503A>G (p.His168Arg)

Gene: STK11 (serine/threonine kinase 11; plus strand). Cytogenetic location: 19p13.3.
Variant type: single nucleotide variant.
Coding change: c.503A>G on transcript NM_000455.5 (MANE Select); coding-DNA position 503, A replaced by G.
Protein change: p.His168Arg; replaces histidine 168 with arginine.
Molecular consequence: missense variant. On other transcripts: non-coding transcript variant (1).
Genome position (GRCh38, 1-based): chr19:1,220,411, A>G. VCF-style: chr19-1220411-A-G. GRCh37 (hg19) VCF-style: chr19-1220410-A-G.
Other names: c.503A>G, p.His168Arg (NM_001407255.1); short protein forms H168R.
Identifiers: ClinVar variation 3234080 (VCV003234080.2), dbSNP rs2145424273, ClinGen allele CA402948895.

ClinVar aggregate classification (germline): Uncertain significance. Review status: criteria provided, multiple submitters, no conflicts (2 of 4 stars). 2 submissions from 2 submitters: Uncertain significance (2). Last evaluated 2024-05-17.

Conditions:
Hereditary cancer-predisposing syndrome. Also called: Hereditary Cancer Syndrome; Tumor predisposition; Neoplastic Syndromes, Hereditary; Hereditary neoplastic syndrome. Identifiers: Orphanet 140162, MedGen C0027672, MeSH D009386, MONDO:0015356.
Peutz-Jeghers syndrome (PJS). Also called: POLYPOSIS, HAMARTOMATOUS INTESTINAL; POLYPS-AND-SPOTS SYNDROME; Peutz-Jeghers polyposis; Periorificial lentiginosis syndrome. Identifiers: Orphanet 2869, MedGen C0031269, MeSH D010580, MONDO:0008280, OMIM 175200.

Submissions (2):

Ambry Genetics
Classification: Uncertain significance for Hereditary cancer-predisposing syndrome. Last evaluated: 2024-05-17. Review status: criteria provided, single submitter. Criteria: Ambry Variant Classification Scheme 2023. Collection method: clinical testing. Allele origin: germline.
Comment: The p.H168R variant (also known as c.503A>G), located in coding exon 4 of the STK11 gene, results from an A to G substitution at nucleotide position 503. The histidine at codon 168 is replaced by arginine, an amino acid with highly similar properties. This amino acid position is highly conserved in available vertebrate species. In addition, this alteration is predicted to be deleterious by in silico analysis. Based on the available evidence, the clinical significance of this variant remains unclear.

MVZ Medizinische Genetik Mainz
Classification: Uncertain significance for Peutz-Jeghers syndrome. Last evaluated: 2023-07-27. Review status: criteria provided, single submitter. Criteria: UK Practice Guidelines For Variant Classification V4 01 2020. Collection method: clinical testing. Allele origin: germline. Inheritance: Autosomal dominant inheritance. Affected: yes. Observed: 1 variant allele.
Comment: ACMG Criteria: PM2_SUP_MOD,PM1_SUP,PP4